The following is an entry in ClinVar:

ClinVar aggregate classification (germline): Uncertain significance (1 of 4 stars; one submission).

Conditions:
Microcephaly, normal intelligence and immunodeficiency (NBS). Also called: SEEMANOVA SYNDROME II; IMMUNODEFICIENCY, MICROCEPHALY, AND CHROMOSOMAL INSTABILITY; Immunodeficiency, microcephaly with normal intelligence; BERLIN BREAKAGE SYNDROME; Nijmegen breakage syndrome; Microcephaly with normal intelligence immunodeficiency and lymphoreticular malignancies. Identifiers: Orphanet 647, MedGen C0398791, MONDO:0009623, OMIM 251260.

Submission:

Labcorp Genetics (formerly Invitae), Labcorp
Classification: Uncertain significance for Microcephaly, normal intelligence and immunodeficiency. Last evaluated: 2021-01-08. Review status: criteria provided, single submitter. Criteria: Invitae Variant Classification Sherloc (09022015). Collection method: clinical testing. Allele origin: germline.
Comment: This sequence change replaces proline with alanine at codon 340 of the NBN protein (p.Pro340Ala). The proline residue is moderately conserved and there is a small physicochemical difference between proline and alanine. This variant is not present in population databases (ExAC no frequency). In summary, the available evidence is currently insufficient to determine the role of this variant in disease. Therefore, it has been classified as a Variant of Uncertain Significance. Algorithms developed to predict the effect of missense changes on protein structure and function (SIFT, PolyPhen-2, Align-GVGD) all suggest that this variant is likely to be tolerated, but these predictions have not been confirmed by published functional studies and their clinical significance is uncertain. This variant has not been reported in the literature in individuals with NBN-related conditions.

NM_002485.5(NBN):c.1018C>G (p.Pro340Ala)

Gene: NBN (nibrin; minus strand). Cytogenetic location: 8q21.3.
Variant type: single nucleotide variant.
Coding change: c.1018C>G on transcript NM_002485.5 (MANE Select); coding-DNA position 1018, C replaced by G.
Protein change: p.Pro340Ala; replaces proline 340 with alanine.
Molecular consequence: missense variant.
Genome position (GRCh38, 1-based): chr8:89,958,831, G>C on the plus strand (C>G on the coding strand, the complement: NBN is on the minus strand). VCF-style: chr8-89958831-G-C. GRCh37 (hg19) VCF-style: chr8-90971059-G-C.
Other names: c.772C>G, p.Pro258Ala (NM_001024688.3); short protein forms P258A, P340A.
Identifiers: ClinVar variation 1390527 (VCV001390527.8), dbSNP rs1586066127, ClinGen allele CA371656777.
Genomic context (GRCh38, chr8:89,958,831, plus strand): 5'-TGTTCACTGGGGCGCTTGGCATTAGTTTTTCATCAACTGACACGCCTTGTGAAAGGCTTG[G>C]TCCTGGAGTTGTTGTCTTTAATCCTGTAAATCACACAAGTAGAAAGAAAGAATCACAACT-3'
Protein context (NP_002476.2, residues 330-350): STGLKTTTPG[Pro340Ala]SLSQGVSVDE